The following is an entry in ClinVar:

NM_006461.4(SPAG5):c.686G>A (p.Arg229His)

Gene: SPAG5 (sperm associated antigen 5; minus strand). Cytogenetic location: 17q11.2.
Variant type: single nucleotide variant.
Coding change: c.686G>A on transcript NM_006461.4 (MANE Select); coding-DNA position 686, G replaced by A.
Protein change: p.Arg229His; replaces arginine 229 with histidine.
Molecular consequence: missense variant.
Genome position (GRCh38, 1-based): chr17:28,592,558, C>T on the plus strand (G>A on the coding strand, the complement: SPAG5 is on the minus strand). VCF-style: chr17-28592558-C-T. GRCh37 (hg19) VCF-style: chr17-26919576-C-T.
Other names: short protein forms R229H.
Identifiers: ClinVar variation 2647589 (VCV002647589.24), dbSNP rs141766452, ClinGen allele CA8461583.

ClinVar aggregate classification (germline): Likely benign (1 of 4 stars; one submission).

Allele frequency attached by ClinVar (database versions not stated): ESP Exome Variant Server 0.00046; 1000 Genomes Project 30x 0.00047; 1000 Genomes Project 0.00060.

Submission:

CeGaT Center for Human Genetics Tuebingen
Classification: Likely benign. Last evaluated: 2023-04-01. Review status: criteria provided, single submitter. Criteria: CeGaT Center For Human Genetics Tuebingen Variant Classification Criteria Version 2. Collection method: clinical testing. Allele origin: germline. Affected: yes. Observed: 2 variant alleles.
Comment: SPAG5: BP4, BS2